The following is an entry in ClinVar:

ClinVar aggregate classification (germline): Uncertain significance (1 of 4 stars; one submission).

Conditions:
Autosomal dominant nonsyndromic hearing loss 22. Also called: Autosomal dominant nonsyndromic deafness 22; DFNA 22. Identifiers: Orphanet 228012, MedGen C2931767, MONDO:0011660, OMIM 606346.

gnomAD v4.1: 14 of 1,613,724 alleles (0.00087%); highest among the groups gnomAD compares: South Asian, 0.0033%; no homozygotes.

Submission:

Ebn Sina Genetics Laboratory
Classification: Uncertain significance for Autosomal dominant nonsyndromic hearing loss 22. Last evaluated: 2024-08-18. Review status: criteria provided, single submitter. Criteria: ACMG Guidelines, 2015. Collection method: clinical testing. Allele origin: germline. Affected: yes. Observed: 1 variant allele.
Comment: The sequence variant is a homozygous missense mutation located in exon 11 of the MYO6 gene. The gene is associated with autosomal recessive Deafness 37 and autosomal dominant Deafness 22. The variant is found at very low frequencies in the normal population (PM2). However, computational predictions regarding its functional impact are conflicting: SIFT predicts it to be tolerated, while PolyPhen-2 predicts it to be probably damaging (BP4). The variant has not been previously reported for pathogenicity in the medical literature.

NM_004999.4(MYO6):c.1016G>A (p.Arg339Gln)

Gene: MYO6 (myosin VI; plus strand). Cytogenetic location: 6q14.1.
Variant type: single nucleotide variant.
Coding change: c.1016G>A on transcript NM_004999.4 (MANE Select); coding-DNA position 1016, G replaced by A.
Protein change: p.Arg339Gln; replaces arginine 339 with glutamine.
Molecular consequence: missense variant. On other transcripts: non-coding transcript variant (1).
Genome position (GRCh38, 1-based): chr6:75,848,469, G>A. VCF-style: chr6-75848469-G-A. GRCh37 (hg19) VCF-style: chr6-76558186-G-A.
Other names: c.1016G>A, p.Arg339Gln (NM_001300899.2, NM_001368136.1, NM_001368137.1 and 2 more transcripts); c.1001G>A, p.Arg334Gln (NM_001368138.1); short protein forms R339Q, R334Q.
Identifiers: ClinVar variation 4540608 (VCV004540608.1).